The following is an entry in ClinVar:

ClinVar aggregate classification (germline): Uncertain significance. Review status: criteria provided, multiple submitters, no conflicts (2 of 4 stars). 3 submissions from 3 submitters: Uncertain significance (3). Last evaluated 2026-04-23.

Conditions:
Inborn genetic diseases. Identifiers: MedGen C0950123, MeSH D030342.

gnomAD v4.1: 5 of 1,613,860 alleles (0.00031%); highest among the groups gnomAD compares: Admixed American, 0.005%; no homozygotes.

Submissions (3):

Ambry Genetics
Classification: Uncertain significance for Inborn genetic diseases. Last evaluated: 2026-04-23. Review status: criteria provided, single submitter. Criteria: Ambry Variant Classification Scheme 2023. Collection method: clinical testing. Allele origin: germline.
Comment: The c.933G>C (p.Q311H) alteration is located in exon 7 (coding exon 7) of the RORA gene. This alteration results from a G to C substitution at nucleotide position 933, causing the glutamine (Q) at amino acid position 311 to be replaced by a histidine (H). Based on data from gnomAD, the C allele has an overall frequency of <0.001% (1/251396) total alleles studied. The highest observed frequency was 0.003% (1/34588) of Latino alleles. Based on insufficient or conflicting evidence, the clinical significance of this alteration remains unclear.

Women's Health and Genetics/Laboratory Corporation of America, LabCorp
Classification: Uncertain significance. Last evaluated: 2025-09-05. Review status: criteria provided, single submitter. Criteria: LabCorp Variant Classification Summary - May 2015. Collection method: clinical testing. Allele origin: germline.
Comment: Variant summary: RORA c.834G>C (p.Gln278His) results in a non-conservative amino acid change in the encoded protein sequence. Algorithms developed to predict the effect of missense changes on protein structure and function all suggest that this variant is likely to be disruptive. The variant allele was found at a frequency of 4e-06 in 251396 control chromosomes. The available data on variant occurrences in the general population are insufficient to allow any conclusion about variant significance. To our knowledge, no occurrence of c.834G>C in individuals affected with RORA-related conditions and no experimental evidence demonstrating its impact on protein function have been reported. No submitters have cited clinical-significance assessments for this variant to ClinVar. Based on the evidence outlined above, the variant was classified as uncertain significance.

Blueprint Genetics
Classification: Uncertain significance. Last evaluated: 2022-01-19. Review status: criteria provided, single submitter. Criteria: ACMG Guidelines, 2015. Collection method: clinical testing. Allele origin: germline.

NM_134261.3(RORA):c.834G>C (p.Gln278His)

Genes: RORA (RAR related orphan receptor A; minus strand), RORA-AS1 (RORA antisense RNA 1; plus strand). Cytogenetic location: 15q22.2.
Variant type: single nucleotide variant.
Coding change: c.834G>C on transcript NM_134261.3 (MANE Select); coding-DNA position 834, G replaced by C.
Protein change: p.Gln278His; replaces glutamine 278 with histidine.
Molecular consequence: missense variant.
Genome position (GRCh38, 1-based): chr15:60,505,616, C>G on the plus strand (G>C on the coding strand, the complement: RORA is on the minus strand). VCF-style: chr15-60505616-C-G. GRCh37 (hg19) VCF-style: chr15-60797815-C-G.
Other names: c.909G>C, p.Gln303His (NM_002943.4); c.933G>C, p.Gln311His (NM_134260.3); c.669G>C, p.Gln223His (NM_134262.3); c.933G>C (NM_134260.2); short protein forms Q223H, Q278H, Q303H, Q311H.
Identifiers: ClinVar variation 4535734 (VCV004535734.3).